The following is an entry in ClinVar:

NM_001384140.1(PCDH15):c.1998C>T (p.Thr666=)

Gene: PCDH15 (protocadherin related 15; minus strand). Cytogenetic location: 10q21.1.
Variant type: single nucleotide variant.
Coding change: c.1998C>T on transcript NM_001384140.1 (MANE Select); coding-DNA position 1998, C replaced by T.
Protein change: p.Thr666=; no amino-acid change (threonine 666 retained).
Molecular consequence: synonymous variant.
Genome position (GRCh38, 1-based): chr10:54,079,424, G>A on the plus strand (C>T on the coding strand, the complement: PCDH15 is on the minus strand). VCF-style: chr10-54079424-G-A. GRCh37 (hg19) VCF-style: chr10-55839184-G-A.
Other names: c.2034C>T, p.Thr678= (NM_001142769.4); c.1998C>T, p.Thr666= (NM_001142770.3, NM_001142772.2, NM_001354420.2 and 5 more transcripts); c.2013C>T, p.Thr671= (NM_001142771.2, NM_001142763.2); c.1932C>T, p.Thr644= (NM_001142773.2, NM_001354404.2, NM_001142768.2); c.2019C>T, p.Thr673= (NM_001354411.2); c.1785C>T, p.Ser595= (NM_001142765.2); c.1887C>T, p.Thr629= (NM_001142767.2).
Identifiers: ClinVar variation 286959 (VCV000286959.12), dbSNP rs754253198, ClinGen allele CA5506159.

ClinVar aggregate classification (germline): Conflicting classifications of pathogenicity. Review status: criteria provided, conflicting classifications (1 of 4 stars). 5 submissions from 5 submitters: Uncertain significance (2); Likely benign (2). 1 of the submissions does not count toward it. Last evaluated 2025-12-15.

Conditions:
PCDH15-related disorder. Also called: PCDH15-related condition; PCDH15-related disorders.
Usher syndrome type 1F (USH1F). Also called: USHER SYNDROME, TYPE IF. Identifiers: Orphanet 231169, Orphanet 886, MedGen C1865885, MONDO:0011186, OMIM 602083.
Inborn genetic diseases. Identifiers: MedGen C0950123, MeSH D030342.

Allele frequency attached by ClinVar (database versions not stated): ExAC 0.00002; gnomAD exomes 0.00002; TOPMed 0.00015.
gnomAD v4.1: 21 of 1,613,212 alleles (0.0013%); highest among the groups gnomAD compares: African/African-American, 0.028%; no homozygotes.

Submissions (5):

Ambry Genetics
Classification: Likely benign for Inborn genetic diseases. Last evaluated: 2025-12-15. Review status: criteria provided, single submitter. Criteria: Ambry Variant Classification Scheme 2023. Collection method: clinical testing. Allele origin: germline.

PreventionGenetics, part of Exact Sciences
Classification: Likely benign for PCDH15-related condition. Last evaluated: 2025-02-11. Review status: criteria provided, single submitter. Criteria: ACMG Guidelines, 2015. Collection method: clinical testing. Allele origin: germline.
Comment: This variant is classified as likely benign based on ACMG/AMP sequence variant interpretation guidelines (Richards et al. 2015 PMID: 25741868, with internal and published modifications).

Labcorp Genetics (formerly Invitae), Labcorp
Classification: Uncertain significance. Last evaluated: 2024-12-02. Review status: criteria provided, single submitter. Criteria: Invitae Variant Classification Sherloc (09022015). Collection method: clinical testing. Allele origin: germline.
Comment: This sequence change affects codon 666 of the PCDH15 mRNA. It is a 'silent' change, meaning that it does not change the encoded amino acid sequence of the PCDH15 protein. It affects a nucleotide within the consensus splice site. This variant is present in population databases (rs754253198, gnomAD 0.03%). This variant has not been reported in the literature in individuals affected with PCDH15-related conditions. ClinVar contains an entry for this variant (Variation ID: 286959). Algorithms developed to predict the effect of sequence changes on RNA splicing suggest that this variant is not likely to affect RNA splicing. In summary, the available evidence is currently insufficient to determine the role of this variant in disease. Therefore, it has been classified as a Variant of Uncertain Significance.

Eurofins Ntd Llc (ga)
Classification: Uncertain significance. Last evaluated: 2016-04-07. Review status: criteria provided, single submitter. Criteria: EGL Classification Definitions 2015. Collection method: clinical testing. Allele origin: germline. Observed: 1 variant allele, 1 heterozygote.

Natera, Inc.
Classification: Uncertain significance for Usher syndrome type 1F. Last evaluated: 2019-11-11. Review status: no assertion criteria provided. Collection method: clinical testing. Allele origin: germline. Not counted in ClinVar's aggregate classification.